The following is an entry in ClinVar:

ClinVar aggregate classification (germline): Uncertain significance (1 of 4 stars; one submission).

Submission:

GeneDx
Classification: Uncertain significance. Last evaluated: 2024-05-21. Review status: criteria provided, single submitter. Criteria: GeneDx Variant Classification Process June 2021. Collection method: clinical testing. Allele origin: germline. Affected: yes.
Comment: Not observed at significant frequency in large population cohorts (gnomAD); In silico analysis supports that this missense variant has a deleterious effect on protein structure/function; Has not been previously published as pathogenic or benign to our knowledge

NM_001081550.2(THOC2):c.665C>T (p.Pro222Leu)

Gene: THOC2 (THO complex subunit 2; minus strand). Cytogenetic location: Xq25.
Variant type: single nucleotide variant.
Coding change: c.665C>T on transcript NM_001081550.2 (MANE Select); coding-DNA position 665, C replaced by T.
Protein change: p.Pro222Leu; replaces proline 222 with leucine.
Molecular consequence: missense variant.
Genome position (GRCh38, 1-based): chrX:123,686,651, G>A on the plus strand (C>T on the coding strand, the complement: THOC2 is on the minus strand). VCF-style: chrX-123686651-G-A. GRCh37 (hg19) VCF-style: chrX-122820501-G-A.
Other names: short protein forms P222L.
Identifiers: ClinVar variation 3381728 (VCV003381728.1).
Genomic context (GRCh38, chrX:123,686,651, plus strand): 5'-TGCGGTTCACACATACTCATGTAAGATTCTAACAAAGATATAAAGAAGTCATCGTGTTCT[G>A]GCCTGCATTCAAACACTTCTAAAATGACATCCAAAACTCTATTGGGATCCAGATTAAAGC-3'
Protein context (NP_001075019.1, residues 212-232): DVILEVFECR[Pro222Leu]EHDDFFISLL